The following is an entry in ClinVar:

NM_003235.5(TG):c.7539C>T (p.Asp2513=)

Genes: SLA (Src like adaptor; minus strand), TG (thyroglobulin; plus strand). Cytogenetic location: 8q24.22.
Variant type: single nucleotide variant.
Coding change: c.7539C>T on transcript NM_003235.5 (MANE Select); coding-DNA position 7539, C replaced by T.
Protein change: p.Asp2513=; no amino-acid change (aspartic acid 2513 retained).
Molecular consequence: synonymous variant. On other transcripts: intron variant (4).
Genome position (GRCh38, 1-based): chr8:133,096,340, C>T. VCF-style: chr8-133096340-C-T. GRCh37 (hg19) VCF-style: chr8-134108584-C-T.
Other names: c.-264+6213G>A (NM_001282965.2); c.11+6213G>A (NM_001282964.2, NM_001045557.3); c.-319+6213G>A (NM_001045556.3).
Identifiers: ClinVar variation 361994 (VCV000361994.36), dbSNP rs114539802, ClinGen allele CA4885673.

ClinVar aggregate classification (germline): Conflicting classifications of pathogenicity. Review status: criteria provided, conflicting classifications (1 of 4 stars). 3 submissions from 3 submitters: Uncertain significance (1); Benign (1); Likely benign (1). Last evaluated 2026-01-20.

Conditions:
Iodotyrosyl coupling defect (TDH3). Also called: HYPOTHYROIDISM, CONGENITAL, DUE TO DYSHORMONOGENESIS, 3; THYROID HORMONOGENESIS, GENETIC DEFECT IN, 3. Identifiers: Orphanet 95716, MedGen C0342194, MONDO:0010135, OMIM 274700.

Allele frequency attached by ClinVar (database versions not stated): 1000 Genomes Project 0.00220; 1000 Genomes Project 30x 0.00281; ESP Exome Variant Server 0.00308; TOPMed 0.00348; gnomAD 0.00564 and 0.00591; ExAC 0.00579; gnomAD exomes 0.00592 and 0.00632.
gnomAD v4.1: 10,070 of 1,614,118 alleles (0.62%); highest among the groups gnomAD compares: Non-Finnish European, 0.64%; 67 homozygotes.

Submissions (3):

Labcorp Genetics (formerly Invitae), Labcorp
Classification: Benign. Last evaluated: 2026-01-20. Review status: criteria provided, single submitter. Criteria: Invitae Variant Classification Sherloc (09022015). Collection method: clinical testing. Allele origin: germline.

CeGaT Center for Human Genetics Tuebingen
Classification: Likely benign. Last evaluated: 2025-12-01. Review status: criteria provided, single submitter. Criteria: CeGaT Center For Human Genetics Tuebingen Variant Classification Criteria Version 2. Collection method: clinical testing. Allele origin: germline. Affected: yes. Observed: 7 variant alleles.
Comment: SLA: BS2; TG: BP4, BP7, BS2

Illumina Laboratory Services, Illumina
Classification: Uncertain significance for Iodotyrosyl coupling defect. Last evaluated: 2018-01-13. Review status: criteria provided, single submitter. Criteria: ICSL Variant Classification Criteria 13 December 2019. Collection method: clinical testing. Allele origin: germline.